The following is an entry in ClinVar:

ClinVar aggregate classification (germline): Uncertain significance. Review status: criteria provided, multiple submitters, no conflicts (2 of 4 stars). 3 submissions from 3 submitters: Uncertain significance (3). Last evaluated 2022-08-15.

Conditions:
Erythrocytosis, familial, 6. Also called: ERYTHROCYTOSIS, BETA-GLOBIN TYPE; POLYCYTHEMIA, BETA-GLOBIN TYPE. Identifiers: MedGen C4693822, MONDO:0054801, OMIM 617980.
Heinz body anemia. Also called: Heinz body hemolytic anemia. Identifiers: Orphanet 178330, MedGen C0700299, MONDO:0007705, OMIM 140700, HP:0005511.
Dominant beta-thalassemia. Also called: Beta-thalassemia, dominant inclusion body type. Identifiers: Orphanet 231226, Orphanet 848, MedGen C1858990, MONDO:0011381, OMIM 603902.
Hb SS disease (SCD). Also called: Hemoglobin SS; Sickle cell anemia; Sickle cell disease; HbS disease; Hemoglobin S Disease; Sickling disorder due to hemoglobin S. Identifiers: Orphanet 232, Orphanet 275752, MedGen C0002895, MONDO:0011382, OMIM 603903.
alpha Thalassemia. Also called: Alpha thalassemia spectrum. Identifiers: Orphanet 846, MedGen C0002312, MONDO:0011399, OMIM 604131.
METHEMOGLOBINEMIA, BETA TYPE. Also called: Methemoglobinemia, beta-globin type. Identifiers: MedGen C1840779, OMIM 617971.
Malaria, susceptibility to. Identifiers: Orphanet 673, MedGen C1970028, MONDO:0021024, OMIM 611162.
Hereditary persistence of fetal hemoglobin. Identifiers: MedGen C0019025, MONDO:0020989, OMIM 141749.
Beta-thalassemia HBB/LCRB. Identifiers: MedGen CN322236, MONDO:0013517, OMIM 613985.

Allele frequency attached by ClinVar (database versions not stated): gnomAD 0.00001.
gnomAD v4.1: 1 of 1,614,066 alleles (0.000062%); highest among the groups gnomAD compares: Admixed American, 0.0017%; no homozygotes.

Submissions (3):

Women's Health and Genetics/Laboratory Corporation of America, LabCorp
Classification: Uncertain significance. Last evaluated: 2022-08-15. Review status: criteria provided, single submitter. Criteria: LabCorp Variant Classification Summary - May 2015. Collection method: clinical testing. Allele origin: germline.
Comment: Variant summary: HBB c.169G>A (p.Gly57Ser) results in a non-conservative amino acid change located in the globin domain (IPR000971) of the encoded protein sequence. Three of five in-silico tools predict a benign effect of the variant on protein function. The variant was absent in 251448 control chromosomes (gnomAD). The available data on variant occurrences in the general population are insufficient to allow any conclusion about variant significance. c.169G>A has been reported as a VUS in the literature when identified as part of a newborn screening study in eight heterozygous individuals from Angola who were presumably unaffected by Hemoglobinopathy (e.g. Borges_2019). These report(s) do not provide unequivocal conclusions about the association of the variant with disease. To our knowledge, no experimental evidence demonstrating an impact on protein function has been reported. One clinical diagnostic laboratory has submitted a clinical-significance assessment for this variant to ClinVar after 2014 and classified the variant as uncertain significance. Based on the evidence outlined above, the variant was classified as uncertain significance.

Fulgent Genetics
Classification: Uncertain significance for Heinz body anemia; Hereditary persistence of fetal hemoglobin; Dominant beta-thalassemia; Hb SS disease; alpha Thalassemia; Malaria, susceptibility to; Beta-thalassemia HBB/LCRB; METHEMOGLOBINEMIA, BETA TYPE; Erythrocytosis, familial, 6. Last evaluated: 2022-05-22. Review status: criteria provided, single submitter. Criteria: ACMG Guidelines, 2015. Collection method: clinical testing. Allele origin: unknown.

Quest Diagnostics Nichols Institute San Juan Capistrano
Classification: Uncertain significance. Last evaluated: 2018-01-08. Review status: criteria provided, single submitter. Criteria: Quest Diagnostics criteria. Collection method: clinical testing. Allele origin: germline.

Literature cited by the submitters: PubMed 31394941 (cited by Women's Health and Genetics/Laboratory Corporation of America, LabCorp).

NM_000518.5(HBB):c.169G>A (p.Gly57Ser)

Genes: HBB (hemoglobin subunit beta; minus strand), LOC107133510 (origin of replication at HBB; plus strand), LOC106099062 (HBB recombination region; plus strand). Cytogenetic location: 11p15.4.
Variant type: single nucleotide variant.
Coding change: c.169G>A on transcript NM_000518.5 (MANE Select); coding-DNA position 169, G replaced by A.
Protein change: p.Gly57Ser; replaces glycine 57 with serine.
Molecular consequence: missense variant.
Genome position (GRCh38, 1-based): chr11:5,226,723, C>T on the plus strand (G>A on the coding strand, the complement: HBB is on the minus strand). VCF-style: chr11-5226723-C-T. GRCh37 (hg19) VCF-style: chr11-5247953-C-T.
Other names: short protein forms G57S.
Identifiers: ClinVar variation 619854 (VCV000619854.4), dbSNP rs33935983, ClinGen allele CA217114264.